The following is an entry in ClinVar:

NM_020975.6(RET):c.1253G>A (p.Arg418Gln)

Gene: RET (ret proto-oncogene; plus strand). Cytogenetic location: 10q11.21.
Variant type: single nucleotide variant.
Coding change: c.1253G>A on transcript NM_020975.6 (MANE Select); coding-DNA position 1253, G replaced by A.
Protein change: p.Arg418Gln; replaces arginine 418 with glutamine.
Molecular consequence: missense variant.
Genome position (GRCh38, 1-based): chr10:43,109,220, G>A. VCF-style: chr10-43109220-G-A. GRCh37 (hg19) VCF-style: chr10-43604668-G-A.
Other names: c.1253G>A, p.Arg418Gln (NM_000323.2, NM_001406743.1, NM_001406744.1 and 6 more transcripts); c.491G>A, p.Arg164Gln (NM_001355216.2); c.1124G>A, p.Arg375Gln (NM_001406761.1, NM_001406762.1, NM_001406764.1 and 1 more transcripts); c.965G>A, p.Arg322Gln (NM_001406766.1, NM_001406767.1, NM_001406770.1); c.815G>A, p.Arg272Gln (NM_001406771.1, NM_001406773.1); c.527G>A, p.Arg176Gln (NM_001406775.1, NM_001406776.1, NM_001406777.1 and 1 more transcripts); c.263G>A, p.Arg88Gln (NM_001406784.1); short protein forms R418Q, R164Q, R176Q, R375Q, R88Q, R322Q, R272Q.
Identifiers: ClinVar variation 219872 (VCV000219872.18), dbSNP rs371731991, ClinGen allele CA032301.
Genomic context (GRCh38, chr10:43,109,220, plus strand): 5'-TGCCGGTCAGCCTGCACCTGCCCAGTACCTACTCCCTCTCCGTGAGCAGGAGGGCTCGCC[G>A]ATTTGCCCAGGTGAGCCCATACCTATTGCCTGTCTGGGGAAGATTGAAAGGCCAAGGGAC-3'
Protein context (NP_066124.1, residues 408-428): YSLSVSRRAR[Arg418Gln]FAQIGKVCVE

ClinVar aggregate classification (germline): Conflicting classifications of pathogenicity. Review status: criteria provided, conflicting classifications (1 of 4 stars). 5 submissions from 5 submitters: Uncertain significance (4); Benign (1). Last evaluated 2026-01-10.

Conditions:
Pheochromocytoma. Also called: MAX-Related Hereditary Paraganglioma-Pheochromocytoma Syndrome. Identifiers: Orphanet 29072, MedGen C0031511, MONDO:0008233, OMIM 171300, HP:0002666.
Hirschsprung disease, susceptibility to, 1 (HSCR1). Also called: RET-Related Hirschsprung Disease. Identifiers: Orphanet 388, MedGen C3888239, MONDO:0007723, OMIM 142623.
Familial medullary thyroid carcinoma (MTC). Also called: Thyroid cancer, familial medullary; MTC, familial; Familial Medullary Thyroid Carcinoma (FMTC). Identifiers: Orphanet 653, Orphanet 99361, MedGen C1833921, MONDO:0007958, OMIM 155240.
Multiple endocrine neoplasia type 2B. Also called: WAGENMANN-FROBOESE SYNDROME; MULTIPLE ENDOCRINE NEOPLASIA, TYPE III; MEN 2B; MUCOSAL NEUROMA SYNDROME; MULTIPLE ENDOCRINE NEOPLASIA, TYPE IIB; MEN IIB. Identifiers: Orphanet 247709, Orphanet 653, MedGen C0025269, MeSH D018814, MONDO:0008082, OMIM 162300.
Multiple endocrine neoplasia type 2A. Also called: MULTIPLE ENDOCRINE NEOPLASIA, TYPE IIA; PTC SYNDROME; SIPPLE SYNDROME; MEN 2A; MEN-2A syndrome; Pheochromocytoma and amyloid producing medullary thyroid carcinoma. Identifiers: Orphanet 247698, Orphanet 653, MedGen C0025268, MeSH D018813, MONDO:0008234, OMIM 171400.
Hereditary cancer-predisposing syndrome. Also called: Tumor predisposition; Hereditary neoplastic syndrome; Neoplastic Syndromes, Hereditary; Hereditary Cancer Syndrome. Identifiers: Orphanet 140162, MedGen C0027672, MeSH D009386, MONDO:0015356.
Multiple endocrine neoplasia, type 2 (MEN2). Identifiers: Orphanet 653, MedGen C4048306, MONDO:0019003. Disease mechanism: gain of function.

Allele frequency attached by ClinVar (database versions not stated): TOPMed 0.00001; ExAC 0.00002; gnomAD 0.00002 and 0.00003.
gnomAD v4.1: 29 of 1,612,848 alleles (0.0018%); highest among the groups gnomAD compares: East Asian, 0.011%; no homozygotes.

Submissions (5):

Labcorp Genetics (formerly Invitae), Labcorp
Classification: Uncertain significance for Multiple endocrine neoplasia, type 2. Last evaluated: 2026-01-10. Review status: criteria provided, single submitter. Criteria: Invitae Variant Classification Sherloc (09022015). Collection method: clinical testing. Allele origin: germline.
Comment: This sequence change replaces arginine, which is basic and polar, with glutamine, which is neutral and polar, at codon 418 of the RET protein (p.Arg418Gln). This variant is present in population databases (rs371731991, gnomAD 0.02%). This missense change has been observed in individual(s) with RET-related conditions (PMID: 34309460). ClinVar contains an entry for this variant (Variation ID: 219872). An algorithm developed to predict the effect of missense changes on protein structure and function outputs the following: PolyPhen-2: "Benign". The glutamine amino acid residue is found in multiple mammalian species, which suggests that this missense change does not adversely affect protein function. In summary, the available evidence is currently insufficient to determine the role of this variant in disease. Therefore, it has been classified as a Variant of Uncertain Significance.

Fulgent Genetics
Classification: Uncertain significance for Hirschsprung disease, susceptibility to, 1; Familial medullary thyroid carcinoma; Multiple endocrine neoplasia type 2B; Pheochromocytoma; Multiple endocrine neoplasia type 2A. Last evaluated: 2024-06-24. Review status: criteria provided, single submitter. Criteria: ACMG Guidelines, 2015. Collection method: clinical testing. Allele origin: germline.

Baylor Genetics
Classification: Uncertain significance for Hirschsprung disease, susceptibility to, 1. Last evaluated: 2024-02-08. Review status: criteria provided, single submitter. Criteria: ACMG Guidelines, 2015. Collection method: clinical testing. Allele origin: unknown.

GeneDx
Classification: Uncertain significance. Last evaluated: 2022-03-25. Review status: criteria provided, single submitter. Criteria: GeneDx Variant Classification Process June 2021. Collection method: clinical testing. Allele origin: germline. Affected: yes.
Comment: In silico analysis supports that this missense variant does not alter protein structure/function; Has not been previously published as pathogenic or benign to our knowledge

Ambry Genetics
Classification: Benign for Hereditary cancer-predisposing syndrome. Last evaluated: 2022-01-11. Review status: criteria provided, single submitter. Criteria: Ambry Variant Classification Scheme 2023. Collection method: clinical testing. Allele origin: germline.

Literature cited by the submitters: PubMed 34309460 (cited by Labcorp Genetics (formerly Invitae), Labcorp).